The following is an entry in ClinVar:

ClinVar aggregate classification (germline): Uncertain significance (1 of 4 stars; one submission).

Conditions:
Cardiovascular phenotype. Identifiers: MedGen CN230736.

gnomAD v4.1: 3 of 1,605,740 alleles (0.00019%); highest among the groups gnomAD compares: Non-Finnish European, 0.00025%; no homozygotes.

Submission:

Ambry Genetics
Classification: Uncertain significance for Cardiovascular phenotype. Last evaluated: 2026-08-29. Review status: criteria provided, single submitter. Criteria: Ambry Variant Classification Scheme 2023. Collection method: clinical testing. Allele origin: germline.
Comment: The p.P1022S variant (also known as c.3064C>T), located in coding exon 6 of the TNXB gene, results from a C to T substitution at nucleotide position 3064. The proline at codon 1022 is replaced by serine, an amino acid with similar properties. This amino acid position is conserved. In addition, this alteration is predicted to be tolerated by in silico analysis. Based on the available evidence, the clinical significance of this variant remains unclear.

NM_001365276.2(TNXB):c.3064C>T (p.Pro1022Ser)

Gene: TNXB (tenascin XB; minus strand). Cytogenetic location: 6p21.33.
Variant type: single nucleotide variant.
Coding change: c.3064C>T on transcript NM_001365276.2 (MANE Select); coding-DNA position 3064, C replaced by T.
Protein change: p.Pro1022Ser; replaces proline 1022 with serine.
Molecular consequence: missense variant.
Genome position (GRCh38, 1-based): chr6:32,085,834, G>A on the plus strand (C>T on the coding strand, the complement: TNXB is on the minus strand). VCF-style: chr6-32085834-G-A. GRCh37 (hg19) VCF-style: chr6-32053611-G-A.
Other names: c.3805C>T, p.Pro1269Ser (NM_001428335.1); c.3064C>T, p.Pro1022Ser (NM_019105.8); short protein forms P1022S, P1269S.
Identifiers: ClinVar variation 5031044 (VCV005031044.1).
Genomic context (GRCh38, chr6:32,085,834, plus strand): 5'-GGTCAGAGGGCTTGCCCCCAGGAGGGACCCCATGAAGTGACAGCTCATACGGGGTTCCAG[G>A]AGGGGGTGGAGGCACCAGAGCCTGGCGGACGTCCCCTGGCAGCACTTCCTCATGTGCCCC-3'
Protein context (NP_001352205.1, residues 1012-1032): VRQALVPPPP[Pro1022Ser]GTPYELSLHG